The following is an entry in ClinVar:

NM_005359.6(SMAD4):c.889C>T (p.His297Tyr)

Gene: SMAD4 (SMAD family member 4; plus strand). Cytogenetic location: 18q21.2.
Variant type: single nucleotide variant.
Coding change: c.889C>T on transcript NM_005359.6 (MANE Select); coding-DNA position 889, C replaced by T.
Protein change: p.His297Tyr; replaces histidine 297 with tyrosine.
Molecular consequence: missense variant. On other transcripts: non-coding transcript variant (2).
Genome position (GRCh38, 1-based): chr18:51,058,441, C>T. VCF-style: chr18-51058441-C-T. GRCh37 (hg19) VCF-style: chr18-48584811-C-T.
Other names: c.889C>T, p.His297Tyr (NM_001407041.1, NM_001407042.1, NM_001407043.1); short protein forms H297Y.
Identifiers: ClinVar variation 4170040 (VCV004170040.1).
Genomic context (GRCh38, chr18:51,058,441, plus strand): 5'-ACACCTAATTTGCCTCACCACCAAAACGGCCATCTTCAGCACCACCCGCCTATGCCGCCC[C>T]ATCCCGGACATTACTGTAAGCTCTTGTTTTTGTTGTAAGGGCTATTTTTTTTTTTTTTTT-3'
Protein context (NP_005350.1, residues 287-307): HLQHHPPMPP[His297Tyr]PGHYWPVHNE

ClinVar aggregate classification (germline): Uncertain significance (1 of 4 stars; one submission).

Conditions:
Familial thoracic aortic aneurysm and aortic dissection (TAAD). Also called: Thoracic aortic aneurysms and dissections. Identifiers: Orphanet 91387, MedGen C4707243, MONDO:0019625.
Hereditary cancer-predisposing syndrome. Also called: Neoplastic Syndromes, Hereditary; Tumor predisposition; Hereditary Cancer Syndrome; Hereditary neoplastic syndrome. Identifiers: Orphanet 140162, MedGen C0027672, MeSH D009386, MONDO:0015356.

Submission:

Ambry Genetics
Classification: Uncertain significance for Hereditary cancer-predisposing syndrome; Familial thoracic aortic aneurysm and aortic dissection. Last evaluated: 2025-07-07. Review status: criteria provided, single submitter. Criteria: Ambry Variant Classification Scheme 2023. Collection method: clinical testing. Allele origin: germline.
Comment: The p.H297Y variant (also known as c.889C>T), located in coding exon 6 of the SMAD4 gene, results from a C to T substitution at nucleotide position 889. The histidine at codon 297 is replaced by tyrosine, an amino acid with similar properties. This amino acid position is conserved. In addition, the in silico prediction for this alteration is inconclusive. Based on the available evidence, the clinical significance of this variant remains unclear.